The following is an entry in ClinVar:

ClinVar aggregate classification (germline): Likely pathogenic (1 of 4 stars; one submission).

Conditions:
Nemaline myopathy 2 (NEM2). Also called: Nemaline myopathy 2, autosomal recessive. Identifiers: MedGen C1850569, MONDO:0009725, OMIM 256030.

Submission:

Natera, Inc.
Classification: Likely pathogenic for Nemaline myopathy type 2. Last evaluated: 2024-06-10. Review status: criteria provided, single submitter. Criteria: Natera Variant Classification Schema (03/2026). Collection method: clinical testing. Allele origin: germline.
Comment: The c.7783A>T variant in NEB is a nonsense variant predicted to introduce a stop codon at amino acid 2595. This variant is expected to result in nonsense mediated decay, truncation, or a dysfunctional protein product. This variant is rare in the general population with a frequency below the threshold expected for the associated phenotype(s). Given the available evidence, this variant is classified as Likely Pathogenic.

NM_001164508.2(NEB):c.7783A>T (p.Lys2595Ter)

Gene: NEB (nebulin; minus strand). Cytogenetic location: 2q23.3.
Variant type: single nucleotide variant.
Coding change: c.7783A>T on transcript NM_001164508.2 (MANE Select); coding-DNA position 7783, A replaced by T.
Protein change: p.Lys2595Ter; replaces lysine 2595 with a stop codon.
Molecular consequence: nonsense.
Genome position (GRCh38, 1-based): chr2:151,643,991, T>A on the plus strand (A>T on the coding strand, the complement: NEB is on the minus strand). VCF-style: chr2-151643991-T-A. GRCh37 (hg19) VCF-style: chr2-152500505-T-A.
Other names: c.7783A>T, p.Lys2595Ter (NM_001164507.2, NM_001271208.2, NM_004543.5); short protein forms K2595*.
Identifiers: ClinVar variation 4814788 (VCV004814788.1).
Genomic context (GRCh38, chr2:151,643,991, plus strand): 5'-ACTTCTTGGCCAACACCACCCCCAGCATGTCCACTGGGCTGCTGAACTTGGTCTTCCACT[T>A]CTCAAAGTCCTTCTTGTACTCCCTGTCACTCTGGATCTTGGCCACATGCATGGACCACAT-3'